The following is an entry in ClinVar:

NM_000059.4(BRCA2):c.4C>G (p.Pro2Ala)

Gene: BRCA2 (BRCA2 DNA repair associated; plus strand). Cytogenetic location: 13q13.1.
Variant type: single nucleotide variant.
Coding change: c.4C>G on transcript NM_000059.4 (MANE Select); coding-DNA position 4, C replaced by G.
Protein change: p.Pro2Ala; replaces proline 2 with alanine.
Molecular consequence: missense variant. On other transcripts: non-coding transcript variant (1), intron variant (1).
Genome position (GRCh38, 1-based): chr13:32,316,464, C>G. VCF-style: chr13-32316464-C-G. GRCh37 (hg19) VCF-style: chr13-32890601-C-G.
Other names: c.4C>G, p.Pro2Ala (NM_001406721.1, NM_001406719.1, NM_001406720.1); c.-303+797C>G (NM_001406722.1); short protein forms P2A.
Identifiers: ClinVar variation 2761272 (VCV002761272.3), dbSNP rs1266625701, ClinGen allele CA387752883.

ClinVar aggregate classification (germline): Uncertain significance (1 of 4 stars; one submission).

Conditions:
Hereditary breast ovarian cancer syndrome. Also called: Hereditary breast and ovarian cancer syndrome (HBOC); Hereditary breast and/or ovarian cancer syndrome; Hereditary breast and ovarian cancer syndrome; Breast and ovarian cancer; Hereditary breast and ovarian cancer; BRCA1- and BRCA2-Associated Hereditary Breast and Ovarian Cancer. Identifiers: Orphanet 145, MedGen C0677776, MeSH D061325, MONDO:0003582. Disease mechanism: loss of function.

Submission:

Labcorp Genetics (formerly Invitae), Labcorp
Classification: Uncertain significance for Hereditary breast ovarian cancer syndrome. Last evaluated: 2023-09-18. Review status: criteria provided, single submitter. Criteria: Invitae Variant Classification Sherloc (09022015). Collection method: clinical testing. Allele origin: germline.
Comment: Advanced modeling of protein sequence and biophysical properties (such as structural, functional, and spatial information, amino acid conservation, physicochemical variation, residue mobility, and thermodynamic stability) performed at Invitae indicates that this missense variant is not expected to disrupt BRCA2 protein function. In summary, the available evidence is currently insufficient to determine the role of this variant in disease. Therefore, it has been classified as a Variant of Uncertain Significance. This variant has not been reported in the literature in individuals affected with BRCA2-related conditions. This variant is not present in population databases (gnomAD no frequency). This sequence change replaces proline, which is neutral and non-polar, with alanine, which is neutral and non-polar, at codon 2 of the BRCA2 protein (p.Pro2Ala).